The following is an entry in ClinVar:

NC_000002.11:g.(?_150438631)_(150438795_?)del

Gene: MMADHC (metabolism of cobalamin associated D; minus strand). Cytogenetic location: 2q23.2.
Variant type: Deletion.
Identifiers: ClinVar variation 1458974 (VCV001458974.5).

ClinVar aggregate classification (germline): Pathogenic (1 of 4 stars; one submission).

Conditions:
Methylmalonic aciduria and homocystinuria type cblD (MAHCD). Also called: Methylmalonic aciduria with homocystinuria cblD type; METHYLMALONIC ACIDEMIA, cblH TYPE. Identifiers: Orphanet 622, Orphanet 79283, MedGen C1848552, MONDO:0010185, OMIM 277410.

Submission:

Labcorp Genetics (formerly Invitae), Labcorp
Classification: Pathogenic for Methylmalonic aciduria and homocystinuria type cblD. Last evaluated: 2022-07-06. Review status: criteria provided, single submitter. Criteria: Invitae Variant Classification Sherloc (09022015). Collection method: clinical testing. Allele origin: germline.
Comment: For these reasons, this variant has been classified as Pathogenic. This variant has not been reported in the literature in individuals affected with MMADHC-related conditions. This variant is a gross deletion of the genomic region encompassing exon(s) 3 of the MMADHC gene. This deletion is out-of-frame, and is expected to create a premature termination codon and result in an absent or disrupted protein product. Loss-of-function variants in MMADHC are known to be pathogenic (PMID: 18385497).

Literature cited by the submitters: PubMed 18385497.